The following is an entry in ClinVar:

ClinVar aggregate classification (germline): Uncertain significance (1 of 4 stars; one submission).

Allele frequency attached by ClinVar (database versions not stated): gnomAD 0.00002; gnomAD exomes 0.00004; TOPMed 0.00008; ExAC 0.00021.
gnomAD v4.1: 66 of 1,614,002 alleles (0.0041%); highest among the groups gnomAD compares: Admixed American, 0.11%; no homozygotes.

Submission:

Labcorp Genetics (formerly Invitae), Labcorp
Classification: Uncertain significance. Last evaluated: 2025-09-08. Review status: criteria provided, single submitter. Criteria: Invitae Variant Classification Sherloc (09022015). Collection method: clinical testing. Allele origin: germline.
Comment: This sequence change replaces glutamic acid, which is acidic and polar, with aspartic acid, which is acidic and polar, at codon 90 of the KANK1 protein (p.Glu90Asp). This variant is present in population databases (rs747245921, gnomAD 0.2%), and has an allele count higher than expected for a pathogenic variant. This variant has not been reported in the literature in individuals affected with KANK1-related conditions. ClinVar contains an entry for this variant (Variation ID: 2137873). An algorithm developed to predict the effect of missense changes on protein structure and function (PolyPhen-2) suggests that this variant is likely to be tolerated. In summary, the available evidence is currently insufficient to determine the role of this variant in disease. Therefore, it has been classified as a Variant of Uncertain Significance.

NM_015158.5(KANK1):c.270A>C (p.Glu90Asp)

Gene: KANK1 (KN motif and ankyrin repeat domains 1; plus strand). Cytogenetic location: 9p24.3.
Variant type: single nucleotide variant.
Coding change: c.270A>C on transcript NM_015158.5 (MANE Select); coding-DNA position 270, A replaced by C.
Protein change: p.Glu90Asp; replaces glutamic acid 90 with aspartic acid.
Molecular consequence: missense variant. On other transcripts: 5 prime UTR variant (12), non-coding transcript variant (1).
Genome position (GRCh38, 1-based): chr9:711,036, A>C. VCF-style: chr9-711036-A-C. GRCh37 (hg19) VCF-style: chr9-711036-A-C.
Other names: c.270A>C, p.Glu90Asp (NM_001256876.3, NM_001256877.3, NM_001354331.2 and 2 more transcripts); c.-205A>C (NM_001354333.2, NM_001354335.2, NM_001354336.2 and 9 more transcripts); short protein forms E90D.
Identifiers: ClinVar variation 2137873 (VCV002137873.4), dbSNP rs747245921, ClinGen allele CA4959898.
Genomic context (GRCh38, chr9:711,036, plus strand): 5'-CGTGCCATGCCCAGAACCCAGGACCACATCTGGTCAGCAAGGTATATGGACTTCCACTGA[A>C]TCCCTCTCATCCTCCAACAGTGATGACAACAAGCAGTGCCCCAACTTCCTCATAGCCAGA-3'
Protein context (NP_055973.2, residues 80-100): SGQQGIWTST[Glu90Asp]SLSSSNSDDN